The following is an entry in ClinVar:

NM_001060.6(TBXA2R):c.616_618del (p.Leu206del)

Gene: TBXA2R (thromboxane A2 receptor; minus strand). Cytogenetic location: 19p13.3.
Variant type: Deletion.
Coding change: c.616_618del on transcript NM_001060.6 (MANE Select); coding-DNA positions 616 to 618, 3 bases deleted (CTC; older notation c.616_618delCTC).
Protein change: p.Leu206del; deletes leucine 206.
Molecular consequence: inframe deletion.
Genome position (GRCh38, 1-based): chr19:3,600,017-3,600,019, GAG deleted on the plus strand (CTC on the coding strand, the reverse complement: TBXA2R is on the minus strand); deleting any 3 consecutive bases within chr19:3,600,017-3,600,020 gives the same sequence; the c. name uses the placement nearest the transcript's 3' end. VCF-style (leftmost placement, unchanged base first): chr19-3600016-AGAG-A. GRCh37 (hg19) VCF-style: chr19-3600014-AGAG-A.
Other names: c.616_618del, p.Leu206del (NM_201636.3); short protein forms L206del.
Identifiers: ClinVar variation 2779524 (VCV002779524.4), dbSNP rs781614025, ClinGen allele CA9080822.

ClinVar aggregate classification (germline): Uncertain significance. Review status: criteria provided, multiple submitters, no conflicts (2 of 4 stars). 2 submissions from 2 submitters: Uncertain significance (2). Last evaluated 2025-11-23.

Submissions (2):

Labcorp Genetics (formerly Invitae), Labcorp
Classification: Uncertain significance. Last evaluated: 2025-11-23. Review status: criteria provided, single submitter. Criteria: Invitae Variant Classification Sherloc (09022015). Collection method: clinical testing. Allele origin: germline.
Comment: This variant, c.616_618del, results in the deletion of 1 amino acid(s) of the TBXA2R protein (p.Leu206del), but otherwise preserves the integrity of the reading frame. This variant is present in population databases (rs781614025, gnomAD 0.0009%). This variant has not been reported in the literature in individuals affected with TBXA2R-related conditions. ClinVar contains an entry for this variant (Variation ID: 2779524). Experimental studies and prediction algorithms are not available or were not evaluated, and the functional significance of this variant is currently unknown. In summary, the available evidence is currently insufficient to determine the role of this variant in disease. Therefore, it has been classified as a Variant of Uncertain Significance.

Blueprint Genetics
Classification: Uncertain significance. Last evaluated: 2023-08-04. Review status: criteria provided, single submitter. Criteria: ACMG Guidelines, 2015. Collection method: clinical testing. Allele origin: germline.